The following is an entry in ClinVar:

ClinVar aggregate classification (germline): Uncertain significance (1 of 4 stars; one submission).

Conditions:
GP1BA-related disorder. Also called: GP1BA-related condition.

Allele frequency attached by ClinVar (database versions not stated): gnomAD exomes below 0.00001.
gnomAD v4.1: 1 of 1,614,016 alleles (0.000062%); highest among the groups gnomAD compares: Non-Finnish European, 0.000085%; no homozygotes.

Submission:

PreventionGenetics, part of Exact Sciences
Classification: Uncertain significance for GP1BA-related condition. Last evaluated: 2023-08-14. Review status: criteria provided, single submitter. Criteria: ACMG Guidelines, 2015. Collection method: clinical testing. Allele origin: germline.
Comment: The GP1BA c.284T>G variant is predicted to result in the amino acid substitution p.Leu95Arg. To our knowledge, this variant has not been reported in the literature or in a large population database, indicating this variant is rare. At this time, the clinical significance of this variant is uncertain due to the absence of conclusive functional and genetic evidence.

NM_000173.7(GP1BA):c.284T>G (p.Leu95Arg)

Gene: GP1BA (glycoprotein Ib platelet subunit alpha; plus strand). Cytogenetic location: 17p13.2.
Variant type: single nucleotide variant.
Coding change: c.284T>G on transcript NM_000173.7 (MANE Select); coding-DNA position 284, T replaced by G.
Protein change: p.Leu95Arg; replaces leucine 95 with arginine.
Molecular consequence: missense variant.
Genome position (GRCh38, 1-based): chr17:4,932,888, T>G. VCF-style: chr17-4932888-T-G. GRCh37 (hg19) VCF-style: chr17-4836183-T-G.
Other names: short protein forms L95R.
Identifiers: ClinVar variation 2628568 (VCV002628568.1), dbSNP rs2507592184, ClinGen allele CA397315658.